The following is an entry in ClinVar:

ClinVar aggregate classification (germline): Uncertain significance. Review status: criteria provided, multiple submitters, no conflicts (2 of 4 stars). 3 submissions from 3 submitters: Uncertain significance (3). Last evaluated 2024-12-20.

Conditions:
Familial adenomatous polyposis 1 (FAP1). Also called: FAMILIAL ADENOMATOUS POLYPOSIS 1, ATTENUATED; POLYPOSIS, ADENOMATOUS INTESTINAL. Identifiers: MedGen C2713442, MONDO:0021056, OMIM 175100. Disease mechanism: loss of function.
Hereditary cancer-predisposing syndrome. Also called: Neoplastic Syndromes, Hereditary; Tumor predisposition; Hereditary Cancer Syndrome; Hereditary neoplastic syndrome. Identifiers: Orphanet 140162, MedGen C0027672, MeSH D009386, MONDO:0015356.

Submissions (3):

Ambry Genetics
Classification: Uncertain significance for Hereditary cancer-predisposing syndrome. Last evaluated: 2024-12-20. Review status: criteria provided, single submitter. Criteria: Ambry Variant Classification Scheme 2023. Collection method: clinical testing. Allele origin: germline.
Comment: The p.S2064G variant (also known as c.6190A>G), located in coding exon 15 of the APC gene, results from an A to G substitution at nucleotide position 6190. The serine at codon 2064 is replaced by glycine, an amino acid with similar properties. This amino acid position is conserved. In addition, in silico predictors for this gene do not accurately predict pathogenicity. Based on the available evidence, the clinical significance of this variant remains unclear.

Color Diagnostics, LLC DBA Color Health
Classification: Uncertain significance for Hereditary cancer-predisposing syndrome. Last evaluated: 2024-03-06. Review status: criteria provided, single submitter. Criteria: ACMG Guidelines, 2015. Collection method: clinical testing. Allele origin: germline.
Comment: This missense variant replaces serine with glycine at codon 2064 of the APC protein. Computational prediction suggests that this variant may not impact protein structure and function (internally defined REVEL score threshold <= 0.5, PMID: 27666373). Splice site prediction tools suggest that this variant may not impact RNA splicing. To our knowledge, functional studies have not been reported for this variant. This variant has not been reported in individuals affected with hereditary cancer in the literature. This variant has not been identified in the general population by the Genome Aggregation Database (gnomAD). The available evidence is insufficient to determine the role of this variant in disease conclusively. Therefore, this variant is classified as a Variant of Uncertain Significance.

Labcorp Genetics (formerly Invitae), Labcorp
Classification: Uncertain significance for Familial adenomatous polyposis 1. Last evaluated: 2022-10-31. Review status: criteria provided, single submitter. Criteria: Invitae Variant Classification Sherloc (09022015). Collection method: clinical testing. Allele origin: germline.
Comment: In summary, the available evidence is currently insufficient to determine the role of this variant in disease. Therefore, it has been classified as a Variant of Uncertain Significance. Advanced modeling of protein sequence and biophysical properties (such as structural, functional, and spatial information, amino acid conservation, physicochemical variation, residue mobility, and thermodynamic stability) performed at Invitae indicates that this missense variant is not expected to disrupt APC protein function. ClinVar contains an entry for this variant (Variation ID: 924442). This variant has not been reported in the literature in individuals affected with APC-related conditions. This variant is not present in population databases (gnomAD no frequency). This sequence change replaces serine, which is neutral and polar, with glycine, which is neutral and non-polar, at codon 2064 of the APC protein (p.Ser2064Gly).

NM_000038.6(APC):c.6190A>G (p.Ser2064Gly)

Gene: APC (APC regulator of Wnt signaling pathway; plus strand). Cytogenetic location: 5q22.2.
Variant type: single nucleotide variant.
Coding change: c.6190A>G on transcript NM_000038.6 (MANE Select); coding-DNA position 6190, A replaced by G.
Protein change: p.Ser2064Gly; replaces serine 2064 with glycine.
Molecular consequence: missense variant.
Genome position (GRCh38, 1-based): chr5:112,841,784, A>G. VCF-style: chr5-112841784-A-G. GRCh37 (hg19) VCF-style: chr5-112177481-A-G.
Other names: c.6190A>G, p.Ser2064Gly (NM_001127510.3, NM_001354895.2); c.6136A>G, p.Ser2046Gly (NM_001127511.3); c.6244A>G, p.Ser2082Gly (NM_001354896.2); c.6220A>G, p.Ser2074Gly (NM_001354897.2); c.6115A>G, p.Ser2039Gly (NM_001354898.2); c.6106A>G, p.Ser2036Gly (NM_001354899.2); c.6067A>G, p.Ser2023Gly (NM_001354900.2); c.6013A>G, p.Ser2005Gly (NM_001354901.2); and 5 more; short protein forms S2023G, S2039G, S2074G, S1904G, S2046G, S2005G, S2064G, S2082G.
Identifiers: ClinVar variation 924442 (VCV000924442.13), dbSNP rs1766158185, ClinGen allele CA16034890.